The following is an entry in ClinVar:

NM_004281.4(BAG3):c.464C>T (p.Ala155Val)

Gene: BAG3 (BAG cochaperone 3; plus strand). Cytogenetic location: 10q26.11.
Variant type: single nucleotide variant.
Coding change: c.464C>T on transcript NM_004281.4 (MANE Select); coding-DNA position 464, C replaced by T.
Protein change: p.Ala155Val; replaces alanine 155 with valine.
Molecular consequence: missense variant.
Genome position (GRCh38, 1-based): chr10:119,670,134, C>T. VCF-style: chr10-119670134-C-T. GRCh37 (hg19) VCF-style: chr10-121429646-C-T.
Other names: short protein forms A155V.
Identifiers: ClinVar variation 2923068 (VCV002923068.3), dbSNP rs1369277206, ClinGen allele CA378295148.
Genomic context (GRCh38, chr10:119,670,134, plus strand): 5'-AGTCACCTCTGCGGGGCATGCCAGAAACCACTCAGCCAGATAAACAGTGTGGACAGGTGG[C>T]AGCGGCGGCGGCAGCCCAGCCCCCAGCCTCCCACGGACCTGAGGTAAGGAGAGGCCAGGC-3'
Protein context (NP_004272.2, residues 145-165): TQPDKQCGQV[Ala155Val]AAAAAQPPAS

ClinVar aggregate classification (germline): Uncertain significance (1 of 4 stars; one submission).

Conditions:
Myofibrillar myopathy 6. Identifiers: Orphanet 199340, MedGen C2751831, MONDO:0013061, OMIM 612954.
Dilated cardiomyopathy 1HH (CMD1HH). Identifiers: Orphanet 154, MedGen C3151293, MONDO:0013479, OMIM 613881.

Allele frequency attached by ClinVar (database versions not stated): gnomAD 0.00001.

Submission:

Labcorp Genetics (formerly Invitae), Labcorp
Classification: Uncertain significance for Dilated cardiomyopathy 1HH; Myofibrillar myopathy 6. Last evaluated: 2024-02-26. Review status: criteria provided, single submitter. Criteria: Invitae Variant Classification Sherloc (09022015). Collection method: clinical testing. Allele origin: germline.
Comment: This sequence change replaces alanine, which is neutral and non-polar, with valine, which is neutral and non-polar, at codon 155 of the BAG3 protein (p.Ala155Val). This variant is not present in population databases (gnomAD no frequency). This variant has not been reported in the literature in individuals affected with BAG3-related conditions. Advanced modeling of protein sequence and biophysical properties (such as structural, functional, and spatial information, amino acid conservation, physicochemical variation, residue mobility, and thermodynamic stability) performed at Invitae indicates that this missense variant is not expected to disrupt BAG3 protein function with a negative predictive value of 80%. In summary, the available evidence is currently insufficient to determine the role of this variant in disease. Therefore, it has been classified as a Variant of Uncertain Significance.